The following is an entry in ClinVar:

ClinVar aggregate classification (germline): Likely pathogenic (1 of 4 stars; one submission).

Conditions:
Nephrogenic diabetes insipidus. Identifiers: Orphanet 223, MedGen C0162283, MONDO:0016383, HP:0009806.

Submission:

Natera, Inc.
Classification: Likely pathogenic for Nephrogenic diabetes insipidus. Last evaluated: 2024-02-28. Review status: criteria provided, single submitter. Criteria: Natera Variant Classification Schema (03/2026). Collection method: clinical testing. Allele origin: germline.
Comment: The c.360+1G>C variant in AQP2 is a canonical splice donor site variant predicted to affect pre-mRNA splicing, which may result in an abnormal transcript and altered protein product. This variant is expected to result in nonsense mediated decay, truncation, or a dysfunctional protein product. This variant is rare in the general population with a frequency below the threshold expected for the associated phenotype(s). Given the available evidence, this variant is classified as Likely Pathogenic.

NM_000486.6(AQP2):c.360+1G>C

Gene: AQP2 (aquaporin 2; plus strand). Cytogenetic location: 12q13.12.
Variant type: single nucleotide variant.
Coding change: c.360+1G>C on transcript NM_000486.6 (MANE Select); the canonical splice donor site of the intron after coding-DNA position 360, G replaced by C.
Molecular consequence: splice donor variant.
Genome position (GRCh38, 1-based): chr12:49,951,191, G>C. VCF-style: chr12-49951191-G-C. GRCh37 (hg19) VCF-style: chr12-50344974-G-C.
Identifiers: ClinVar variation 4818429 (VCV004818429.1).
Genomic context (GRCh38, chr12:49,951,191, plus strand): 5'-GCCGCTCTGCTCCATGAGATCACGCCAGCAGACATCCGCGGGGACCTGGCTGTCAATGCT[G>C]TGAGTAGCCACAACTTTGCCATCCACAAGGGGCAGGTCCTGGGGAATCCCTTGTAAAGGA-3'